The following is an entry in ClinVar:

ClinVar aggregate classification (germline): Uncertain significance. Review status: criteria provided, multiple submitters, no conflicts (2 of 4 stars). 2 submissions from 2 submitters: Uncertain significance (2). Last evaluated 2024-02-29.

Conditions:
Colorectal cancer, hereditary nonpolyposis, type 7. Identifiers: Orphanet 144, MedGen C1858380, MONDO:0013725, OMIM 614385.

Allele frequency attached by ClinVar (database versions not stated): TOPMed below 0.00001; ExAC 0.00001; gnomAD exomes 0.00001.
gnomAD v4.1: 5 of 1,614,224 alleles (0.00031%); highest among the groups gnomAD compares: Non-Finnish European, 0.00042%; no homozygotes.

Submissions (2):

Labcorp Genetics (formerly Invitae), Labcorp
Classification: Uncertain significance for Colorectal cancer, hereditary nonpolyposis, type 7. Last evaluated: 2024-02-29. Review status: criteria provided, single submitter. Criteria: Invitae Variant Classification Sherloc (09022015). Collection method: clinical testing. Allele origin: germline.
Comment: This sequence change replaces leucine, which is neutral and non-polar, with valine, which is neutral and non-polar, at codon 17 of the MLH3 protein (p.Leu17Val). This variant is present in population databases (rs773049883, gnomAD 0.0009%). This variant has not been reported in the literature in individuals affected with MLH3-related conditions. Algorithms developed to predict the effect of missense changes on protein structure and function output the following: SIFT: "Not Available"; PolyPhen-2: "Benign"; Align-GVGD: "Not Available". The valine amino acid residue is found in multiple mammalian species, which suggests that this missense change does not adversely affect protein function. In summary, the available evidence is currently insufficient to determine the role of this variant in disease. Therefore, it has been classified as a Variant of Uncertain Significance.

Ambry Genetics
Classification: Uncertain significance. Last evaluated: 2023-12-19. Review status: criteria provided, single submitter. Criteria: Ambry Variant Classification Scheme 2023. Collection method: clinical testing. Allele origin: germline.
Comment: The p.L17V variant (also known as c.49T>G), located in coding exon 1 of the MLH3 gene, results from a T to G substitution at nucleotide position 49. The leucine at codon 17 is replaced by valine, an amino acid with highly similar properties. This amino acid position is conserved. In addition, this alteration is predicted to be tolerated by in silico analysis. Since supporting evidence is limited at this time, the clinical significance of this alteration remains unclear.

NM_001040108.2(MLH3):c.49T>G (p.Leu17Val)

Gene: MLH3 (mutL homolog 3; minus strand). Cytogenetic location: 14q24.3.
Variant type: single nucleotide variant.
Coding change: c.49T>G on transcript NM_001040108.2 (MANE Select); coding-DNA position 49, T replaced by G.
Protein change: p.Leu17Val; replaces leucine 17 with valine.
Molecular consequence: missense variant.
Genome position (GRCh38, 1-based): chr14:75,049,607, A>C on the plus strand (T>G on the coding strand, the complement: MLH3 is on the minus strand). VCF-style: chr14-75049607-A-C. GRCh37 (hg19) VCF-style: chr14-75516310-A-C.
Other names: c.49T>G, p.Leu17Val (NM_014381.3); short protein forms L17V.
Identifiers: ClinVar variation 3232577 (VCV003232577.3), dbSNP rs773049883, ClinGen allele CA7276099.